The following is an entry in ClinVar:

ClinVar aggregate classification (germline): Uncertain significance (1 of 4 stars; one submission).

Conditions:
Inborn genetic diseases. Identifiers: MedGen C0950123, MeSH D030342.

Allele frequency attached by ClinVar (database versions not stated): TOPMed below 0.00001; ExAC 0.00001; gnomAD exomes 0.00001; ESP Exome Variant Server 0.00009.

Submission:

Ambry Genetics
Classification: Uncertain significance for Inborn genetic diseases. Last evaluated: 2020-10-15. Review status: criteria provided, single submitter. Criteria: Ambry Variant Classification Scheme 2023. Collection method: clinical testing. Allele origin: germline.
Comment: The c.16642-5dupT intronic variant results from a duplication of 1 nucleotide upstream from coding exon 96 of the DST gene. This nucleotide position is not well conserved in available vertebrate species. In silico splice site analysis predicts that this alteration will not have any significant effect on splicing. Since supporting evidence is limited at this time, the clinical significance of this alteration remains unclear.

NM_001374736.1(DST):c.23071-5dup

Gene: DST (dystonin; minus strand). Cytogenetic location: 6p12.1.
Variant type: Duplication.
Coding change: c.23071-5dup on transcript NM_001374736.1 (MANE Select); 5 bases into the intron before coding-DNA position 23071, one base duplicated (T; older notation c.23071-5dupT).
Molecular consequence: intron variant.
Genome position (GRCh38, 1-based): chr6:56,460,259, A duplicated on the plus strand (T on the coding strand, the reverse complement: DST is on the minus strand). VCF-style (leftmost placement, unchanged base first): chr6-56460258-T-TA. GRCh37 (hg19) VCF-style: chr6-56325056-T-TA.
Other names: c.16642-5dup (NM_001144769.5); c.22999-5dup (NM_001374722.1); c.23026-5dup (NM_001374734.1); c.16228-5dup (NM_001144770.2); c.15742-5dup (NM_001374730.1); c.16090-5dup (NM_001386100.1); c.16108-5dup (NM_183380.4); c.22000-5dup (NM_001374729.1); and 1 more.
Identifiers: ClinVar variation 1777537 (VCV001777537.2), dbSNP rs750247142, ClinGen allele CA3866038.
Genomic context (GRCh38, chr6:56,460,258, plus strand): 5'-GCCTTTCCCTGATAAATATCCTGGAAGTCGAAGCTTGCTTCCTTGTATTGGCGTTCCCTG[T>TA]ATTTAACCAGCAACAAGACATTTCAAAATATTGCTCCTGTACCATGATATTCCACTGACA-3'